The following is an entry in ClinVar:

NM_004655.4(AXIN2):c.1810G>C (p.Gly604Arg)

Gene: AXIN2 (axin 2; minus strand). Cytogenetic location: 17q24.1.
Variant type: single nucleotide variant.
Coding change: c.1810G>C on transcript NM_004655.4 (MANE Select); coding-DNA position 1810, G replaced by C.
Protein change: p.Gly604Arg; replaces glycine 604 with arginine.
Molecular consequence: missense variant. On other transcripts: intron variant (1).
Genome position (GRCh38, 1-based): chr17:65,536,966, C>G on the plus strand (G>C on the coding strand, the complement: AXIN2 is on the minus strand). VCF-style: chr17-65536966-C-G. GRCh37 (hg19) VCF-style: chr17-63533084-C-G.
Other names: c.1712+358G>C (NM_001363813.1); short protein forms G604R.
Identifiers: ClinVar variation 3361417 (VCV003361417.1).

ClinVar aggregate classification (germline): Uncertain significance (1 of 4 stars; one submission).

Submission:

GeneDx
Classification: Uncertain significance. Last evaluated: 2023-07-24. Review status: criteria provided, single submitter. Criteria: GeneDx Variant Classification Process June 2021. Collection method: clinical testing. Allele origin: germline. Affected: yes.
Comment: Not observed at significant frequency in large population cohorts (gnomAD); In silico analysis supports that this missense variant does not alter protein structure/function; Has not been previously published as pathogenic or benign to our knowledge